The following is an entry in ClinVar:

ClinVar aggregate classification (germline): Uncertain significance (1 of 4 stars; one submission).

gnomAD v4.1: 1 of 1,612,256 alleles (0.000062%); highest among the groups gnomAD compares: African/African-American, 0.0013%; no homozygotes.

Submission:

Labcorp Genetics (formerly Invitae), Labcorp
Classification: Uncertain significance. Last evaluated: 2025-08-09. Review status: criteria provided, single submitter. Criteria: Invitae Variant Classification Sherloc (09022015). Collection method: clinical testing. Allele origin: germline.
Comment: This sequence change replaces glutamic acid, which is acidic and polar, with aspartic acid, which is acidic and polar, at codon 284 of the EFEMP1 protein (p.Glu284Asp). This variant is not present in population databases (gnomAD no frequency). This variant has not been reported in the literature in individuals affected with EFEMP1-related conditions. Invitae Evidence Modeling of protein sequence and biophysical properties (such as structural, functional, and spatial information, amino acid conservation, physicochemical variation, residue mobility, and thermodynamic stability) indicates that this missense variant is not expected to disrupt EFEMP1 protein function with a negative predictive value of 80%. In summary, the available evidence is currently insufficient to determine the role of this variant in disease. Therefore, it has been classified as a Variant of Uncertain Significance.

NM_001039348.3(EFEMP1):c.852G>C (p.Glu284Asp)

Gene: EFEMP1 (EGF-like fibulin extracellular matrix protein 1; minus strand). Cytogenetic location: 2p16.1.
Variant type: single nucleotide variant.
Coding change: c.852G>C on transcript NM_001039348.3 (MANE Select); coding-DNA position 852, G replaced by C.
Protein change: p.Glu284Asp; replaces glutamic acid 284 with aspartic acid.
Molecular consequence: missense variant.
Genome position (GRCh38, 1-based): chr2:55,876,651, C>G on the plus strand (G>C on the coding strand, the complement: EFEMP1 is on the minus strand). VCF-style: chr2-55876651-C-G. GRCh37 (hg19) VCF-style: chr2-56103786-C-G.
Other names: c.852G>C, p.Glu284Asp (NM_001039349.3); short protein forms E284D.
Identifiers: ClinVar variation 4746609 (VCV004746609.1).